The following is an entry in ClinVar:

ClinVar aggregate classification (germline): Uncertain significance (1 of 4 stars; one submission).

gnomAD v4.1: 1 of 1,593,036 alleles (0.000063%); highest among the groups gnomAD compares: Admixed American, 0.0017%; no homozygotes.

Submission:

Women's Health and Genetics/Laboratory Corporation of America, LabCorp
Classification: Uncertain significance. Last evaluated: 2026-06-05. Review status: criteria provided, single submitter. Criteria: LabCorp Variant Classification Summary - May 2015. Collection method: clinical testing. Allele origin: germline.
Comment: Variant summary: SETD1A c.2212G>A (p.Glu738Lys) results in a conservative amino acid change in the encoded protein sequence. Algorithms developed to predict the effect of missense changes on protein structure and function are either unavailable or do not agree on the potential impact of this missense change. The variant was absent in 233304 control chromosomes. The available data on variant occurrences in the general population are insufficient to allow any conclusion about variant significance. To our knowledge, no occurrence of c.2212G>A in individuals affected with SETD1A-related conditions and no experimental evidence demonstrating its impact on protein function have been reported. No submitters have cited clinical-significance assessments for this variant to ClinVar. Based on the evidence outlined above, the variant was classified as uncertain significance.

NM_014712.3(SETD1A):c.2212G>A (p.Glu738Lys)

Gene: SETD1A (SET domain containing 1A, histone lysine methyltransferase; plus strand). Cytogenetic location: 16p11.2.
Variant type: single nucleotide variant.
Coding change: c.2212G>A on transcript NM_014712.3 (MANE Select); coding-DNA position 2212, G replaced by A.
Protein change: p.Glu738Lys; replaces glutamic acid 738 with lysine.
Molecular consequence: missense variant.
Genome position (GRCh38, 1-based): chr16:30,966,093, G>A. VCF-style: chr16-30966093-G-A. GRCh37 (hg19) VCF-style: chr16-30977414-G-A.
Other names: short protein forms E738K.
Identifiers: ClinVar variation 4887479 (VCV004887479.1).
Genomic context (GRCh38, chr16:30,966,093, plus strand): 5'-TTTCCACCCCCGCAGGAGGCAGCCTACGGCTTGCCGTATGCTCTATATGCACAGGGGCAG[G>A]AGGGCAGAGGGGCATACTCACGGGAGGCCTACCACCTGCCCATGCCAATGGCAGCCGAGC-3'
Protein context (NP_055527.1, residues 728-748): LPYALYAQGQ[Glu738Lys]GRGAYSREAY